The following is an entry in ClinVar:

ClinVar aggregate classification (germline): Uncertain significance. Review status: criteria provided, multiple submitters, no conflicts (2 of 4 stars). 3 submissions from 3 submitters: Uncertain significance (3). Last evaluated 2026-05-13.

Conditions:
CYP7A1-related disorder. Also called: CYP7A1-related condition.

Allele frequency attached by ClinVar (database versions not stated): gnomAD 0.00001 and 0.00002; TOPMed 0.00001; ExAC 0.00002; gnomAD exomes 0.00002 and 0.00004.
gnomAD v4.1: 40 of 1,614,034 alleles (0.0025%); highest among the groups gnomAD compares: South Asian, 0.0099%; no homozygotes.

Submissions (3):

PreventionGenetics, part of Exact Sciences
Classification: Uncertain significance for CYP7A1-related condition. Last evaluated: 2026-05-13. Review status: criteria provided, single submitter. Criteria: ACMG Guidelines, 2015. Collection method: clinical testing. Allele origin: germline.
Comment: The CYP7A1 c.583C>T variant is predicted to result in the amino acid substitution p.Arg195Trp. To our knowledge, this variant has not been reported in the literature. This variant is reported in 0.0098% of alleles in individuals of South Asian descent in gnomAD. At this time, the clinical significance of this variant is uncertain due to the absence of conclusive functional and genetic evidence.

Labcorp Genetics (formerly Invitae), Labcorp
Classification: Uncertain significance. Last evaluated: 2024-01-24. Review status: criteria provided, single submitter. Criteria: Invitae Variant Classification Sherloc (09022015). Collection method: clinical testing. Allele origin: germline.
Comment: This sequence change replaces arginine, which is basic and polar, with tryptophan, which is neutral and slightly polar, at codon 195 of the CYP7A1 protein (p.Arg195Trp). This variant is present in population databases (rs771901033, gnomAD 0.01%). This variant has not been reported in the literature in individuals affected with CYP7A1-related conditions. ClinVar contains an entry for this variant (Variation ID: 593914). Advanced modeling of protein sequence and biophysical properties (such as structural, functional, and spatial information, amino acid conservation, physicochemical variation, residue mobility, and thermodynamic stability) performed at Invitae indicates that this missense variant is not expected to disrupt CYP7A1 protein function with a negative predictive value of 80%. In summary, the available evidence is currently insufficient to determine the role of this variant in disease. Therefore, it has been classified as a Variant of Uncertain Significance.

Eurofins Ntd Llc (ga)
Classification: Uncertain significance. Last evaluated: 2017-09-01. Review status: criteria provided, single submitter. Criteria: EGL Classification Definitions 2015. Collection method: clinical testing. Allele origin: germline. Observed: 1 variant allele, 1 heterozygote.

NM_000780.4(CYP7A1):c.583C>T (p.Arg195Trp)

Gene: CYP7A1 (cytochrome P450 family 7 subfamily A member 1; minus strand). Cytogenetic location: 8q12.1.
Variant type: single nucleotide variant.
Coding change: c.583C>T on transcript NM_000780.4 (MANE Select); coding-DNA position 583, C replaced by T.
Protein change: p.Arg195Trp; replaces arginine 195 with tryptophan.
Molecular consequence: missense variant.
Genome position (GRCh38, 1-based): chr8:58,496,929, G>A on the plus strand (C>T on the coding strand, the complement: CYP7A1 is on the minus strand). VCF-style: chr8-58496929-G-A. GRCh37 (hg19) VCF-style: chr8-59409488-G-A.
Other names: c.583C>T (NM_000780.3); short protein forms R195W.
Identifiers: ClinVar variation 593914 (VCV000593914.9), dbSNP rs771901033, ClinGen allele CA4756774.